The following is an entry in ClinVar:

ClinVar aggregate classification (germline): Benign (0 of 4 stars; one submission).

Conditions:
DNAH2-related disorder. Also called: DNAH2-related condition.

Allele frequency attached by ClinVar (database versions not stated): ESP Exome Variant Server 0.00031; gnomAD exomes 0.00211; gnomAD 0.00258; TOPMed 0.00282; ExAC 0.00541; 1000 Genomes Project 30x 0.01499; 1000 Genomes Project 0.01657.
gnomAD v4.1: 3,580 of 1,614,230 alleles (0.22%); highest among the groups gnomAD compares: East Asian, 4.8%; 71 homozygotes.

Submission:

PreventionGenetics, part of Exact Sciences
Classification: Benign for DNAH2-related condition. Last evaluated: 2019-07-11. Review status: no assertion criteria provided. Collection method: clinical testing. Allele origin: germline.
Comment: This variant is classified as benign based on ACMG/AMP sequence variant interpretation guidelines (Richards et al. 2015 PMID: 25741868, with internal and published modifications).

NM_020877.5(DNAH2):c.5984C>T (p.Pro1995Leu)

Gene: DNAH2 (dynein axonemal heavy chain 2; plus strand). Cytogenetic location: 17p13.1.
Variant type: single nucleotide variant.
Coding change: c.5984C>T on transcript NM_020877.5 (MANE Select); coding-DNA position 5984, C replaced by T.
Protein change: p.Pro1995Leu; replaces proline 1995 with leucine.
Molecular consequence: missense variant.
Genome position (GRCh38, 1-based): chr17:7,780,763, C>T. VCF-style: chr17-7780763-C-T. GRCh37 (hg19) VCF-style: chr17-7684081-C-T.
Other names: short protein forms P1995L.
Identifiers: ClinVar variation 3038110 (VCV003038110.2), dbSNP rs75886914, ClinGen allele CA8357588.
Genomic context (GRCh38, chr17:7,780,763, plus strand): 5'-TTGGCCTGCGTGCCCTCACCTCCCTTCTGCGCTATGCTGGCAAGAAGCGCCGCCTACAGC[C>T]GGATCTGACTGATGAAGAGGTAGAGCAAGGACACAGCCTTTGGACCTGACTTCCACTGTC-3'
Protein context (NP_065928.2, residues 1985-2005): RYAGKKRRLQ[Pro1995Leu]DLTDEEVLLL